The following is an entry in ClinVar:

ClinVar aggregate classification (germline): Likely benign. Review status: criteria provided, multiple submitters, no conflicts (2 of 4 stars). 2 submissions from 2 submitters: Likely benign (2). Last evaluated 2024-11-26.

Conditions:
GRIA4-related disorder. Also called: GRIA4-related condition.

gnomAD v4.1: 27 of 1,613,554 alleles (0.0017%); highest among the groups gnomAD compares: African/African-American, 0.016%; no homozygotes.

Submissions (2):

Blueprint Genetics
Classification: Likely benign. Last evaluated: 2024-11-26. Review status: criteria provided, single submitter. Criteria: ACMG Guidelines, 2015. Collection method: clinical testing. Allele origin: germline.

PreventionGenetics, part of Exact Sciences
Classification: Likely benign for GRIA4-related condition. Last evaluated: 2024-10-29. Review status: criteria provided, single submitter. Criteria: ACMG Guidelines, 2015. Collection method: clinical testing. Allele origin: germline.
Comment: This variant is classified as likely benign based on ACMG/AMP sequence variant interpretation guidelines (Richards et al. 2015 PMID: 25741868, with internal and published modifications).

NM_000829.4(GRIA4):c.2637A>G (p.Pro879=)

Gene: GRIA4 (glutamate ionotropic receptor AMPA type subunit 4; plus strand). Cytogenetic location: 11q22.3.
Variant type: single nucleotide variant.
Coding change: c.2637A>G on transcript NM_000829.4 (MANE Select); coding-DNA position 2637, A replaced by G.
Protein change: p.Pro879=; no amino-acid change (proline 879 retained).
Molecular consequence: synonymous variant. On other transcripts: 3 prime UTR variant (4), non-coding transcript variant (1).
Genome position (GRCh38, 1-based): chr11:105,979,667, A>G. VCF-style: chr11-105979667-A-G. GRCh37 (hg19) VCF-style: chr11-105850394-A-G.
Other names: c.*95A>G (NM_001077243.3, NM_001440391.1, NM_001440392.1 and 1 more transcripts); c.2637A>G, p.Pro879= (NM_001440382.1, NM_001440383.1, NM_001440384.1 and 3 more transcripts); c.2616A>G, p.Pro872= (NM_001440388.1, NM_001440389.1, NM_001440390.1); c.2430A>G, p.Pro810= (NM_001440394.1); c.2274A>G, p.Pro758= (NM_001440395.1, NM_001440396.1); c.1683A>G, p.Pro561= (NM_001440398.1); c.1386A>G, p.Pro462= (NM_001440399.1); c.2637A>G (NM_000829.3).
Identifiers: ClinVar variation 4913905 (VCV004913905.2).